The following is an entry in ClinVar:

GRCh38/hg38 21q22.13-22.3(chr21:37135738-42434515)x1

Genes: GET1 (guided entry of tail-anchored proteins factor 1; plus strand), GET1-SH3BGR (GET1-SH3BGR readthrough; plus strand), HMGN1 (high mobility group nucleosome binding domain 1; minus strand), IGSF5 (immunoglobulin superfamily member 5; plus strand), KCNJ15 (potassium inwardly rectifying channel subfamily J member 15; plus strand) and 221 more. Cytogenetic location: 21q22.13-22.3.
Variant type: copy number loss.
Change: copy number 1 (one copy instead of two) of chr21:37,135,738-42,434,515 (5.30 Mb, GRCh38 coordinates, 1-based), cytogenetic band 21q22.13-22.3.
Identifiers: ClinVar variation 57360 (VCV000057360.1).

ClinVar aggregate classification (germline): Pathogenic (1 of 4 stars; one submission).

Submission:

ISCA site 4
Classification: Pathogenic. Last evaluated: 2011-08-12. Review status: criteria provided, single submitter. Criteria: Kaminsky et al. (Genet Med. 2011). Collection method: clinical testing. Allele origin: unknown. Affected: yes. Observed: 1 variant allele.
Comment: Copy number variation identified through the course of routine clinical cytogenomic testing in postnatal populations. Clinical assertions have been curated as described in Kaminsky et al. 2011.